The following is an entry in ClinVar:

ClinVar aggregate classification (germline): Uncertain significance (1 of 4 stars; one submission).

Conditions:
Malignant hyperthermia, susceptibility to, 5 (MHS5). Also called: CACNA1S-Related Malignant Hyperthermia Susceptibility. Identifiers: Orphanet 423, MedGen C1866077, MONDO:0011163, OMIM 601887.

Allele frequency attached by ClinVar (database versions not stated): gnomAD exomes below 0.00001.
gnomAD v4.1: 3 of 1,614,228 alleles (0.00019%); highest among the groups gnomAD compares: Non-Finnish European, 0.000085%; no homozygotes.

Submission:

All of Us Research Program, National Institutes of Health
Classification: Uncertain significance for Malignant hyperthermia, susceptibility to, 5. Last evaluated: 2024-06-09. Review status: criteria provided, single submitter. Criteria: ACMG Guidelines, 2015. Collection method: clinical testing. Allele origin: germline. Inheritance: Autosomal dominant inheritance. Observed: 2 variant alleles, 2 heterozygotes.
Comment: This missense variant replaces isoleucine with threonine at codon 1494 of the CACNA1S protein. Computational prediction is inconclusive regarding the impact of this variant on protein structure and function (internally defined REVEL score threshold 0.5 < inconclusive < 0.7, PMID: 27666373). To our knowledge, functional studies have not been reported for this variant. This variant has not been reported in individuals affected with CACNA1S-related disorders in the literature. This variant has not been identified in the general population by the Genome Aggregation Database (gnomAD). The available evidence is insufficient to determine the role of this variant in disease conclusively. Therefore, this variant is classified as a Variant of Uncertain Significance.

This study involves interpretation of variants in research participants for the purpose of population health screening. Participant phenotype was not available at the time of variant classification. Additional details can be found in publication PMID: 35346344, PMCID: PMC8962531

NM_000069.3(CACNA1S):c.4481T>C (p.Ile1494Thr)

Gene: CACNA1S (calcium voltage-gated channel subunit alpha1 S; minus strand). Cytogenetic location: 1q32.1.
Variant type: single nucleotide variant.
Coding change: c.4481T>C on transcript NM_000069.3 (MANE Select); coding-DNA position 4481, T replaced by C.
Protein change: p.Ile1494Thr; replaces isoleucine 1494 with threonine.
Molecular consequence: missense variant.
Genome position (GRCh38, 1-based): chr1:201,047,587, A>G on the plus strand (T>C on the coding strand, the complement: CACNA1S is on the minus strand). VCF-style: chr1-201047587-A-G. GRCh37 (hg19) VCF-style: chr1-201016715-A-G.
Other names: short protein forms I1494T.
Identifiers: ClinVar variation 3073696 (VCV003073696.2), dbSNP rs2464431452, ClinGen allele CA344143301.